The following is an entry in ClinVar:

NM_002775.5(HTRA1):c.1262C>T (p.Thr421Ile)

Gene: HTRA1 (HtrA serine peptidase 1; plus strand). Cytogenetic location: 10q26.13.
Variant type: single nucleotide variant.
Coding change: c.1262C>T on transcript NM_002775.5 (MANE Select); coding-DNA position 1262, C replaced by T.
Protein change: p.Thr421Ile; replaces threonine 421 with isoleucine.
Molecular consequence: missense variant.
Genome position (GRCh38, 1-based): chr10:122,512,053, C>T. VCF-style: chr10-122512053-C-T. GRCh37 (hg19) VCF-style: chr10-124271569-C-T.
Other names: short protein forms T421I.
Identifiers: ClinVar variation 3720406 (VCV003720406.2).
Genomic context (GRCh38, chr10:122,512,053, plus strand): 5'-GGCACCGGGACTTCCCAGACGTGATCTCAGGAGCGTATATAATTGAAGTAATTCCTGATA[C>T]CCCAGCAGAAGCGTGAGTTGGAGTCGTTTTCTCTTTTCCCAATATTCTTGTTGTTCCTGT-3'
Protein context (NP_002766.1, residues 411-431): GAYIIEVIPD[Thr421Ile]PAEAGGLKEN

ClinVar aggregate classification (germline): Uncertain significance (1 of 4 stars; one submission).

Submission:

Labcorp Genetics (formerly Invitae), Labcorp
Classification: Uncertain significance. Last evaluated: 2024-10-11. Review status: criteria provided, single submitter. Criteria: Invitae Variant Classification Sherloc (09022015). Collection method: clinical testing. Allele origin: germline.
Comment: This sequence change replaces threonine, which is neutral and polar, with isoleucine, which is neutral and non-polar, at codon 421 of the HTRA1 protein (p.Thr421Ile). This variant is not present in population databases (gnomAD no frequency). This variant has not been reported in the literature in individuals affected with HTRA1-related conditions. Invitae Evidence Modeling of protein sequence and biophysical properties (such as structural, functional, and spatial information, amino acid conservation, physicochemical variation, residue mobility, and thermodynamic stability) indicates that this missense variant is expected to disrupt HTRA1 protein function with a positive predictive value of 95%. In summary, the available evidence is currently insufficient to determine the role of this variant in disease. Therefore, it has been classified as a Variant of Uncertain Significance.